The following is an entry in ClinVar:

NM_005097.4(LGI1):c.1552A>G (p.Asn518Asp)

Gene: LGI1 (leucine rich glioma inactivated 1; plus strand). Cytogenetic location: 10q23.33.
Variant type: single nucleotide variant.
Coding change: c.1552A>G on transcript NM_005097.4 (MANE Select); coding-DNA position 1552, A replaced by G.
Protein change: p.Asn518Asp; replaces asparagine 518 with aspartic acid.
Molecular consequence: missense variant. On other transcripts: non-coding transcript variant (1), intron variant (1).
Genome position (GRCh38, 1-based): chr10:93,797,681, A>G. VCF-style: chr10-93797681-A-G. GRCh37 (hg19) VCF-style: chr10-95557438-A-G.
Other names: c.1408A>G, p.Asn470Asp (NM_001308276.2); c.839-68A>G (NM_001308275.2); short protein forms N470D, N518D.
Identifiers: ClinVar variation 1348215 (VCV001348215.8), dbSNP rs887433567, ClinGen allele CA211585876.

ClinVar aggregate classification (germline): Uncertain significance (1 of 4 stars; one submission).

Conditions:
Autosomal dominant epilepsy with auditory features. Identifiers: Orphanet 101046, MedGen C1838062, MONDO:0010898.

Allele frequency attached by ClinVar (database versions not stated): gnomAD exomes below 0.00001; gnomAD 0.00001; TOPMed 0.00001.
gnomAD v4.1: 7 of 1,613,974 alleles (0.00043%); highest among the groups gnomAD compares: Non-Finnish European, 0.00042%; no homozygotes.

Submission:

Labcorp Genetics (formerly Invitae), Labcorp
Classification: Uncertain significance for Autosomal dominant epilepsy with auditory features. Last evaluated: 2021-03-31. Review status: criteria provided, single submitter. Criteria: Invitae Variant Classification Sherloc (09022015). Collection method: clinical testing. Allele origin: germline.
Comment: This sequence change replaces asparagine with aspartic acid at codon 518 of the LGI1 protein (p.Asn518Asp). The asparagine residue is highly conserved and there is a small physicochemical difference between asparagine and aspartic acid. This variant is not present in population databases (ExAC no frequency). In summary, the available evidence is currently insufficient to determine the role of this variant in disease. Therefore, it has been classified as a Variant of Uncertain Significance. Algorithms developed to predict the effect of missense changes on protein structure and function are either unavailable or do not agree on the potential impact of this missense change (SIFT: "Tolerated"; PolyPhen-2: "Probably Damaging"; Align-GVGD: "Class C0"). This variant has not been reported in the literature in individuals with LGI1-related conditions.